The following is an entry in ClinVar:

NM_020937.4(FANCM):c.3175T>C (p.Tyr1059His)

Gene: FANCM (FA complementation group M; plus strand). Cytogenetic location: 14q21.2.
Variant type: single nucleotide variant.
Coding change: c.3175T>C on transcript NM_020937.4 (MANE Select); coding-DNA position 3175, T replaced by C.
Protein change: p.Tyr1059His; replaces tyrosine 1059 with histidine.
Molecular consequence: missense variant.
Genome position (GRCh38, 1-based): chr14:45,175,929, T>C. VCF-style: chr14-45175929-T-C. GRCh37 (hg19) VCF-style: chr14-45645132-T-C.
Other names: c.3097T>C, p.Tyr1033His (NM_001308133.2); short protein forms Y1059H, Y1033H.
Identifiers: ClinVar variation 837805 (VCV000837805.9), dbSNP rs755723099, ClinGen allele CA7169475.

ClinVar aggregate classification (germline): Uncertain significance (1 of 4 stars; one submission).

Conditions:
Fanconi anemia (FA). Also called: Fanconi's anemia. Identifiers: Orphanet 84, MedGen C0015625, MeSH D005199, MONDO:0019391.

Allele frequency attached by ClinVar (database versions not stated): ExAC 0.00001; gnomAD exomes 0.00001.
gnomAD v4.1: 15 of 1,613,102 alleles (0.00093%); highest among the groups gnomAD compares: African/African-American, 0.0013%; no homozygotes.

Submission:

Labcorp Genetics (formerly Invitae), Labcorp
Classification: Uncertain significance for Fanconi anemia. Last evaluated: 2019-02-28. Review status: criteria provided, single submitter. Criteria: Invitae Variant Classification Sherloc (09022015). Collection method: clinical testing. Allele origin: germline.
Comment: This sequence change replaces tyrosine with histidine at codon 1059 of the FANCM protein (p.Tyr1059His). The tyrosine residue is weakly conserved and there is a moderate physicochemical difference between tyrosine and histidine. This variant is present in population databases (rs755723099, ExAC 0.002%). This variant has not been reported in the literature in individuals with FANCM-related conditions. Algorithms developed to predict the effect of missense changes on protein structure and function output the following: SIFT: "Tolerated"; PolyPhen-2: "Benign"; Align-GVGD: "Class C0". The histidine amino acid residue is found in multiple mammalian species, suggesting that this missense change does not adversely affect protein function. These predictions have not been confirmed by published functional studies and their clinical significance is uncertain. In summary, the available evidence is currently insufficient to determine the role of this variant in disease. Therefore, it has been classified as a Variant of Uncertain Significance.